The following is an entry in ClinVar:

NM_000291.4(PGK1):c.982G>A (p.Val328Ile)

Gene: PGK1 (phosphoglycerate kinase 1; plus strand). Cytogenetic location: Xq21.1.
Variant type: single nucleotide variant.
Coding change: c.982G>A on transcript NM_000291.4 (MANE Select); coding-DNA position 982, G replaced by A.
Protein change: p.Val328Ile; replaces valine 328 with isoleucine.
Molecular consequence: missense variant.
Genome position (GRCh38, 1-based): chrX:78,124,919, G>A. VCF-style: chrX-78124919-G-A. GRCh37 (hg19) VCF-style: chrX-77380416-G-A.
Other names: short protein forms V328I.
Identifiers: ClinVar variation 3343679 (VCV003343679.1).

ClinVar aggregate classification (germline): Uncertain significance (1 of 4 stars; one submission).

Submission:

GeneDx
Classification: Uncertain significance. Last evaluated: 2023-05-18. Review status: criteria provided, single submitter. Criteria: GeneDx Variant Classification Process June 2021. Collection method: clinical testing. Allele origin: germline. Affected: yes.
Comment: Not observed at significant frequency in large population cohorts (gnomAD); In silico analysis supports that this missense variant does not alter protein structure/function; Has not been previously published as pathogenic or benign to our knowledge